The following is an entry in ClinVar:

ClinVar aggregate classification (germline): Conflicting classifications of pathogenicity. Review status: criteria provided, conflicting classifications (1 of 4 stars). 4 submissions from 4 submitters: Likely pathogenic (3); Uncertain significance (1). Last evaluated 2022-09-14.

Conditions:
Achondrogenesis type II (ACG2). Also called: CHONDROGENESIS IMPERFECTA; ACHONDROGENESIS, LANGER-SALDINO TYPE. Identifiers: Orphanet 932, Orphanet 93296, MedGen C0220685, MONDO:0008702, OMIM 200610.
Multiple epiphyseal dysplasia, Beighton type. Identifiers: Orphanet 166011, MedGen C1851536, MONDO:0007562, OMIM 132450.
Spondyloepiphyseal dysplasia congenita (SEDC). Also called: SED CONGENITA; SPONDYLOEPIPHYSEAL DYSPLASIA, CONGENITAL TYPE. Identifiers: Orphanet 94068, MedGen C2745959, MONDO:0008471, OMIM 183900.
Legg-Calve-Perthes disease. Also called: PERTHES DISEASE; Osteochondritis deformans; Coxa plana; Avascular necrosis of the capital femoral epiphysis. Identifiers: Orphanet 2380, MedGen C1442965, MONDO:0007885, OMIM 150600, HP:0005743.
Spondyloepiphyseal dysplasia with metatarsal shortening. Also called: CZECH DYSPLASIA, METATARSAL TYPE; SPONDYLOEPIPHYSEAL DYSPLASIA WITH PRECOCIOUS OSTEOARTHRITIS; Pseudorheumatoid dysplasia progressive, with hypoplastic toes. Identifiers: Orphanet 137678, MedGen C1836683, MONDO:0012206, OMIM 609162.
Avascular necrosis of femoral head, primary, 1 (ANFH1). Also called: Avascular necrosis of femoral head, primary. Identifiers: Orphanet 86820, MedGen C4551562, MONDO:0054550, OMIM 608805.
Spondyloepimetaphyseal dysplasia, Strudwick type (SEMDSTWK). Also called: DAPPLED METAPHYSIS SYNDROME; STRUDWICK SYNDROME. Identifiers: Orphanet 93346, MedGen C0700635, MONDO:0008476, OMIM 184250.
Namaqualand hip dysplasia (OSCDP). Also called: Mild spondyloepiphyseal dysplasia due to COL2A1 mutation with early-onset osteoarthritis. Identifiers: Orphanet 93279, MedGen C0432214, MONDO:0011496, OMIM 604864.
Spondyloperipheral dysplasia. Also called: Spondyloperipheral dysplasia-short ulna syndrome; SPONDYLOPERIPHERAL DYSPLASIA WITH SHORT ULNA. Identifiers: Orphanet 1856, MedGen C0796173, MONDO:0010078, OMIM 271700.
Stickler syndrome type 1 (STL1). Also called: ARTHROOPHTHALMOPATHY, HEREDITARY PROGRESSIVE; COL2A1-Related Stickler Syndrome; STICKLER SYNDROME, MEMBRANOUS VITREOUS TYPE; STICKLER SYNDROME, VITREOUS TYPE 1. Identifiers: Orphanet 828, Orphanet 90653, MedGen C2020284, MONDO:0007160, OMIM 108300.
Platyspondylic dysplasia, Torrance type (PLSDT). Identifiers: Orphanet 85166, MedGen C1835437, MONDO:0007895, OMIM 151210.
Spondyloepiphyseal dysplasia, Stanescu type. Also called: SED, STANESCU TYPE; SPONDYLOEPIMETAPHYSEAL DYSPLASIA, STANESCU TYPE. Identifiers: Orphanet 459051, MedGen C4225273, MONDO:0014701, OMIM 616583.
Kniest dysplasia. Identifiers: Orphanet 485, MedGen C0265279, MONDO:0007987, OMIM 156550.
Stickler syndrome, type I, nonsyndromic ocular. Also called: STICKLER SYNDROME, ATYPICAL; STICKLER SYNDROME, TYPE I, PREDOMINANTLY OCULAR. Identifiers: MedGen C1836080, MONDO:0012287, OMIM 609508.
Vitreoretinopathy with phalangeal epiphyseal dysplasia (VPED). Identifiers: MedGen C1852989, MONDO:0031001, OMIM 619248.

Submissions (4):

Labcorp Genetics (formerly Invitae), Labcorp
Classification: Likely pathogenic. Last evaluated: 2022-09-14. Review status: criteria provided, single submitter. Criteria: Invitae Variant Classification Sherloc (09022015). Collection method: clinical testing. Allele origin: germline.
Comment: This variant disrupts the triple helix domain of COL2A1. Glycine residues within the Gly-Xaa-Yaa repeats of the triple helix domain are required for the structure and stability of fibrillar collagens (PMID: 7695699, 8218237, 19344236). In COL2A1, variants affecting these glycine residues are significantly enriched in individuals with disease (PMID: 9016532, 17078022) compared to the general population (ExAC). Advanced modeling of protein sequence and biophysical properties (such as structural, functional, and spatial information, amino acid conservation, physicochemical variation, residue mobility, and thermodynamic stability) performed at Invitae indicates that this missense variant is expected to disrupt COL2A1 protein function. ClinVar contains an entry for this variant (Variation ID: 194828). This missense change has been observed in individual(s) with clinical features of spondyloepiphyseal dysplasia (PMID: 32333414; Invitae). This variant is not present in population databases (gnomAD no frequency). This sequence change replaces glycine, which is neutral and non-polar, with glutamic acid, which is acidic and polar, at codon 372 of the COL2A1 protein (p.Gly372Glu). This variant disrupts the p.Gly372 amino acid residue in COL2A1. Other variant(s) that disrupt this residue have been observed in individuals with COL2A1-related conditions (PMID: 25604898; Invitae), which suggests that this may be a clinically significant amino acid residue. In summary, the currently available evidence indicates that the variant is pathogenic, but additional data are needed to prove that conclusively. Therefore, this variant has been classified as Likely Pathogenic.

Revvity Omics, Revvity
Classification: Likely pathogenic. Last evaluated: 2021-02-03. Review status: criteria provided, single submitter. Criteria: ACMG Guidelines, 2015. Collection method: clinical testing. Allele origin: germline.

Eurofins Ntd Llc (ga)
Classification: Likely pathogenic. Last evaluated: 2015-02-26. Review status: criteria provided, single submitter. Criteria: EGL Classification Definitions. Collection method: clinical testing. Allele origin: germline. Observed: 1 variant allele, 1 heterozygote.

Juno Genomics, Hangzhou Juno Genomics, Inc
Classification: Uncertain significance for Multiple epiphyseal dysplasia, Beighton type; Vitreoretinopathy with phalangeal epiphyseal dysplasia; Achondrogenesis type II; Avascular necrosis of femoral head, primary, 1; Spondyloepiphyseal dysplasia with metatarsal shortening; Kniest dysplasia; Legg-Calve-Perthes disease; Namaqualand hip dysplasia; Platyspondylic dysplasia, Torrance type; Spondyloepiphyseal dysplasia congenita; Spondyloepimetaphyseal dysplasia, Strudwick type; Spondyloepiphyseal dysplasia, Stanescu type; Spondyloperipheral dysplasia; Stickler syndrome, type I, nonsyndromic ocular; Stickler syndrome type 1. Review status: criteria provided, single submitter. Criteria: ACMG Guidelines, 2015. Collection method: clinical testing. Allele origin: germline. Affected: yes.
Comment: Absent from controls (or at extremely low frequency if recessive) in Genome Aggregation Database, Exome Sequencing Project, 1000 Genomes Project, or Exome Aggregation Consortium.;The prevalence of the variant in affected individuals is significantly increased compared to the prevalence in controls.;Multiple lines of computational evidence support a deleterious effect on the gene or gene product (conservation, evolutionary, splicing impact, etc).

Literature cited by the submitters: PubMed 7695699 (cited by Labcorp Genetics (formerly Invitae), Labcorp); PubMed 8218237 (cited by Labcorp Genetics (formerly Invitae), Labcorp); PubMed 19344236 (cited by Labcorp Genetics (formerly Invitae), Labcorp); PubMed 9016532 (cited by Labcorp Genetics (formerly Invitae), Labcorp); PubMed 17078022 (cited by Labcorp Genetics (formerly Invitae), Labcorp); PubMed 32333414 (cited by Labcorp Genetics (formerly Invitae), Labcorp); PubMed 25604898 (cited by Labcorp Genetics (formerly Invitae), Labcorp).

NM_001844.5(COL2A1):c.1115G>A (p.Gly372Glu)

Gene: COL2A1 (collagen type II alpha 1 chain; minus strand). Cytogenetic location: 12q13.11.
Variant type: single nucleotide variant.
Coding change: c.1115G>A on transcript NM_001844.5 (MANE Select); coding-DNA position 1115, G replaced by A.
Protein change: p.Gly372Glu; replaces glycine 372 with glutamic acid.
Molecular consequence: missense variant.
Genome position (GRCh38, 1-based): chr12:47,989,235, C>T on the plus strand (G>A on the coding strand, the complement: COL2A1 is on the minus strand). VCF-style: chr12-47989235-C-T. GRCh37 (hg19) VCF-style: chr12-48383018-C-T.
Other names: c.908G>A, p.Gly303Glu (NM_033150.3); short protein forms G372E, G303E.
Identifiers: ClinVar variation 194828 (VCV000194828.16), dbSNP rs794727202, ClinGen allele CA241017.